The following is an entry in ClinVar:

NM_032861.4(SERAC1):c.1725_1727dup (p.Glu575_Phe576insLeu)

Gene: SERAC1 (serine active site containing 1; minus strand). Cytogenetic location: 6q25.3.
Variant type: Duplication.
Coding change: c.1725_1727dup on transcript NM_032861.4 (MANE Select); coding-DNA positions 1725 to 1727, 3 bases duplicated (GTT; older notation c.1725_1727dupGTT).
Protein change: p.Glu575_Phe576insLeu.
Molecular consequence: inframe insertion.
Genome position (GRCh38, 1-based): chr6:158,113,550-158,113,552, AAC duplicated on the plus strand (GTT on the coding strand, the reverse complement: SERAC1 is on the minus strand). VCF-style (leftmost placement, unchanged base first): chr6-158113549-A-AAAC. GRCh37 (hg19) VCF-style: chr6-158534581-A-AAAC.
Other names: c.1725_1727dup (NM_032861.3).
Identifiers: ClinVar variation 1441016 (VCV001441016.5), dbSNP rs1478893955, ClinGen allele CA571466935.

ClinVar aggregate classification (germline): Uncertain significance (1 of 4 stars; one submission).

Conditions:
3-methylglutaconic aciduria with deafness, encephalopathy, and Leigh-like syndrome (MEGDEL). Also called: SERAC1 Deficiency; MEGDEL syndrome; 3-METHYLGLUTACONIC ACIDURIA, TYPE VI. Identifiers: Orphanet 352328, MedGen C4040739, MONDO:0013875, OMIM 614739.

Allele frequency attached by ClinVar (database versions not stated): gnomAD 0.00001; gnomAD exomes 0.00001 and 0.00002; TOPMed 0.00002.

Submission:

Labcorp Genetics (formerly Invitae), Labcorp
Classification: Uncertain significance for 3-methylglutaconic aciduria with deafness, encephalopathy, and Leigh-like syndrome. Last evaluated: 2021-12-02. Review status: criteria provided, single submitter. Criteria: Invitae Variant Classification Sherloc (09022015). Collection method: clinical testing. Allele origin: germline.
Comment: This variant, c.1725_1727dup, results in the insertion of 1 amino acid(s) of the SERAC1 protein (p.Glu575_Phe576insLeu), but otherwise preserves the integrity of the reading frame. This variant is present in population databases (no rsID available, gnomAD 0.01%). This variant has not been reported in the literature in individuals affected with SERAC1-related conditions. In summary, the available evidence is currently insufficient to determine the role of this variant in disease. Therefore, it has been classified as a Variant of Uncertain Significance.